The following is an entry in ClinVar:

NM_015570.4(AUTS2):c.2862C>T (p.Pro954=)

Gene: AUTS2 (activator of transcription and developmental regulator AUTS2; plus strand). Cytogenetic location: 7q11.22.
Variant type: single nucleotide variant.
Coding change: c.2862C>T on transcript NM_015570.4 (MANE Select); coding-DNA position 2862, C replaced by T.
Protein change: p.Pro954=; no amino-acid change (proline 954 retained).
Molecular consequence: synonymous variant.
Genome position (GRCh38, 1-based): chr7:70,790,078, C>T. VCF-style: chr7-70790078-C-T. GRCh37 (hg19) VCF-style: chr7-70255064-C-T.
Other names: c.2862C>T (NM_015570.3); c.2790C>T, p.Pro930= (NM_001127231.3).
Identifiers: ClinVar variation 2699814 (VCV002699814.27), dbSNP rs746278968, ClinGen allele CA4281206.

ClinVar aggregate classification (germline): Benign/Likely benign. Review status: criteria provided, multiple submitters, no conflicts (2 of 4 stars). 4 submissions from 4 submitters: Benign (1); Likely benign (2). 1 of the submissions does not count toward it. Last evaluated 2025-12-09.

Conditions:
AUTS2-related disorder. Also called: AUTS2-related condition.

Allele frequency attached by ClinVar (database versions not stated): gnomAD exomes 0.00007; ExAC 0.00027.
gnomAD v4.1: 117 of 1,577,784 alleles (0.0074%); highest among the groups gnomAD compares: Non-Finnish European, 0.0025%; no homozygotes.

Submissions (4):

Labcorp Genetics (formerly Invitae), Labcorp
Classification: Benign. Last evaluated: 2025-12-09. Review status: criteria provided, single submitter. Criteria: Invitae Variant Classification Sherloc (09022015). Collection method: clinical testing. Allele origin: germline.

Blueprint Genetics
Classification: Likely benign. Last evaluated: 2024-09-24. Review status: criteria provided, single submitter. Criteria: ACMG Guidelines, 2015. Collection method: clinical testing. Allele origin: germline.

CeGaT Center for Human Genetics Tuebingen
Classification: Likely benign. Last evaluated: 2024-02-01. Review status: criteria provided, single submitter. Criteria: CeGaT Center For Human Genetics Tuebingen Variant Classification Criteria Version 2. Collection method: clinical testing. Allele origin: germline. Affected: yes. Observed: 1 variant allele.
Comment: AUTS2: BP4, BP7

PreventionGenetics, part of Exact Sciences
Classification: Likely benign for AUTS2-related condition. Last evaluated: 2019-05-24. Review status: no assertion criteria provided. Collection method: clinical testing. Allele origin: germline. Not counted in ClinVar's aggregate classification.
Comment: This variant is classified as likely benign based on ACMG/AMP sequence variant interpretation guidelines (Richards et al. 2015 PMID: 25741868, with internal and published modifications).